The following is an entry in ClinVar:

NM_002709.3(PPP1CB):c.748G>T (p.Val250Leu)

Gene: PPP1CB (protein phosphatase 1 catalytic subunit beta; plus strand). Cytogenetic location: 2p23.2.
Variant type: single nucleotide variant.
Coding change: c.748G>T on transcript NM_002709.3 (MANE Select); coding-DNA position 748, G replaced by T.
Protein change: p.Val250Leu; replaces valine 250 with leucine.
Molecular consequence: missense variant.
Genome position (GRCh38, 1-based): chr2:28,793,866, G>T. VCF-style: chr2-28793866-G-T. GRCh37 (hg19) VCF-style: chr2-29016732-G-T.
Other names: c.748G>T, p.Val250Leu (NM_206876.2); short protein forms V250L.
Identifiers: ClinVar variation 1307060 (VCV001307060.2), dbSNP rs2148060397, ClinGen allele CA346583497.

ClinVar aggregate classification (germline): Uncertain significance (1 of 4 stars; one submission).

Submission:

GeneDx
Classification: Uncertain significance. Last evaluated: 2019-07-16. Review status: criteria provided, single submitter. Criteria: GeneDx Variant Classification Process June 2021. Collection method: clinical testing. Allele origin: germline. Affected: yes.
Comment: Not observed in large population cohorts (Lek et al., 2016); In silico analysis, which includes protein predictors and evolutionary conservation, supports a deleterious effect; Has not been previously published as pathogenic or benign to our knowledge